The following is an entry in ClinVar:

Conditions:
Breast-ovarian cancer, familial, susceptibility to, 1 (BROVCA1). Also called: BRCA1 Hereditary Breast and Ovarian Cancer; OVARIAN CANCER, SUSCEPTIBILITY TO. Identifiers: Orphanet 145, MedGen C2676676, MONDO:0011450, OMIM 604370. Disease mechanism: loss of function.

Submission:

Brotman Baty Institute, University of Washington
No classification provided (evidence only). Condition: Breast-ovarian cancer, familial 1. Review status: no classification provided. Collection method: in vitro. Allele origin: not applicable. Functional consequence: functionally_normal.
ClinVar note: "not provided" was previously submitted as the classification for the variant. However, the classification appeared to be based only on an observation of functional data so it was converted to no classification on 2025-07-30.

NM_007294.4(BRCA1):c.252A>T (p.Glu84Asp)

Gene: BRCA1 (BRCA1 DNA repair associated; minus strand). Cytogenetic location: 17q21.31.
Variant type: single nucleotide variant.
Coding change: c.252A>T on transcript NM_007294.4 (MANE Select); coding-DNA position 252, A replaced by T.
Protein change: p.Glu84Asp; replaces glutamic acid 84 with aspartic acid.
Molecular consequence: missense variant. On other transcripts: non-coding transcript variant (1).
Genome position (GRCh38, 1-based): chr17:43,104,917, T>A on the plus strand (A>T on the coding strand, the complement: BRCA1 is on the minus strand). VCF-style: chr17-43104917-T-A. GRCh37 (hg19) VCF-style: chr17-41256934-T-A.
Other names: c.42A>T, p.Glu14Asp (NM_001407571.1, NM_001407853.1, NM_001407879.1 and 58 more transcripts); c.252A>T, p.Glu84Asp (NM_001407581.1, NM_001407582.1, NM_001407583.1 and 168 more transcripts); c.174A>T, p.Glu58Asp (NM_001407653.1, NM_001407654.1, NM_001407655.1 and 21 more transcripts); c.111A>T, p.Glu37Asp (NM_001407692.1, NM_001407694.1, NM_001407695.1 and 99 more transcripts); c.-130A>T (NM_001407959.1, NM_001407960.1, NM_001407962.1 and 4 more transcripts); c.120A>T, p.Glu40Asp (NM_001408451.1); short protein forms E37D, E84D, E14D, E40D, E58D.
Identifiers: ClinVar variation 868314 (VCV000868314.3), dbSNP rs2054685385, ClinGen allele CA10601651.
Genomic context (GRCh38, chr17:43,104,917, plus strand): 5'-TCAACACTTACACTCCAAACCTGTGTCAAGCTGAAAAGCACAAATGATTTTCAATAGCTC[T>A]TCAACAAGTTGACTAAATCTCGTACTTTCTTGTAGGCTCCTGAAATTAAATTGTTTGAGA-3'
Protein context (NP_009225.1, residues 74-94): QESTRFSQLV[Glu84Asp]ELLKIICAFQ